The following is an entry in ClinVar:

NM_000091.5(COL4A3):c.4455del (p.Asp1486fs)

Genes: COL4A3 (collagen type IV alpha 3 chain; plus strand), MFF-DT (MFF divergent transcript; minus strand). Cytogenetic location: 2q36.3.
Variant type: Deletion.
Coding change: c.4455del on transcript NM_000091.5 (MANE Select); coding-DNA position 4455, one base deleted (A; older notation c.4455delA).
Protein change: p.Asp1486fs; shifts the reading frame from aspartic acid 1486.
Molecular consequence: frameshift variant.
Genome position (GRCh38, 1-based): chr2:227,307,912, A deleted; the last of 2 consecutive A bases (chr2:227,307,911-227,307,912); deleting either gives the same sequence. VCF-style (leftmost placement, unchanged base first): chr2-227307910-CA-C. GRCh37 (hg19) VCF-style: chr2-228172626-CA-C.
Other names: short protein forms D1486fs.
Identifiers: ClinVar variation 4715375 (VCV004715375.1).

ClinVar aggregate classification (germline): Pathogenic (1 of 4 stars; one submission).

Submission:

Labcorp Genetics (formerly Invitae), Labcorp
Classification: Pathogenic. Last evaluated: 2025-03-18. Review status: criteria provided, single submitter. Criteria: Invitae Variant Classification Sherloc (09022015). Collection method: clinical testing. Allele origin: germline.
Comment: This sequence change creates a premature translational stop signal (p.Asp1486Thrfs*43) in the COL4A3 gene. It is expected to result in an absent or disrupted protein product. Loss-of-function variants in COL4A3 are known to be pathogenic (PMID: 8956999, 24854265, 26809805, 27281700). This variant is not present in population databases (gnomAD no frequency). This variant has not been reported in the literature in individuals affected with COL4A3-related conditions. For these reasons, this variant has been classified as Pathogenic.

Literature cited by the submitters: PubMed 8956999; PubMed 24854265; PubMed 26809805; PubMed 27281700.